The following is an entry in ClinVar:

ClinVar aggregate classification (germline): Likely pathogenic (1 of 4 stars; one submission).

Conditions:
Hereditary hyperinsulinism.

Submission:

Natera, Inc.
Classification: Likely pathogenic for Hereditary hyperinsulinism. Last evaluated: 2025-09-11. Review status: criteria provided, single submitter. Criteria: Natera Variant Classification Schema (03/2026). Collection method: clinical testing. Allele origin: germline.
Comment: The c.1676del variant in ABCC8 is a frameshift variant predicted to shift the reading frame beginning at codon 559 and leads to a stop codon 46 codons downstream. This variant is expected to result in nonsense mediated decay, truncation, or a dysfunctional protein product. This variant is rare in the general population with a frequency below the threshold expected for the associated phenotype(s). Given the available evidence, this variant is classified as Likely Pathogenic.

NM_000352.6(ABCC8):c.1676del (p.Phe559fs)

Gene: ABCC8 (ATP binding cassette subfamily C member 8; minus strand). Cytogenetic location: 11p15.1.
Variant type: Deletion.
Coding change: c.1676del on transcript NM_000352.6 (MANE Select); coding-DNA position 1676, one base deleted (T; older notation c.1676delT).
Protein change: p.Phe559fs; shifts the reading frame from phenylalanine 559.
Molecular consequence: frameshift variant. On other transcripts: non-coding transcript variant (1).
Genome position (GRCh38, 1-based): chr11:17,430,955, A deleted on the plus strand (T on the coding strand, the reverse complement: ABCC8 is on the minus strand); the first of 3 consecutive A bases (chr11:17,430,955-17,430,957); deleting any one gives the same sequence. VCF-style (leftmost placement, unchanged base first): chr11-17430954-GA-G. GRCh37 (hg19) VCF-style: chr11-17452501-GA-G.
Other names: c.1673del, p.Phe558fs (NM_001351297.2, NM_001351296.2); c.1676del, p.Phe559fs (NM_001287174.3, NM_001351295.2); short protein forms F558fs, F559fs.
Identifiers: ClinVar variation 4818237 (VCV004818237.1).
Genomic context (GRCh38, chr11:17,430,954, plus strand): 5'-GGAGGCAAAGGCCACGGAGGGCGAGAAGTCGGCCTCTTTGAAGAAGCTGACGTGGCCCAC[GA>G]AAGTCTGTGGACAGAGGCACAAGTGAGGCCAGGGTGGCCCAGGGTGTGGGTCCCTCCCAC-3'